The following is an entry in ClinVar:

NC_000017.10:g.(?_80851403)_(80851528_?)del

Gene: TBCD (tubulin folding cofactor D). Cytogenetic location: 17q25.3.
Variant type: Deletion.
Identifiers: ClinVar variation 2425452 (VCV002425452.4).

ClinVar aggregate classification (germline): Pathogenic (1 of 4 stars; one submission).

Submission:

Labcorp Genetics (formerly Invitae), Labcorp
Classification: Pathogenic. Last evaluated: 2022-03-01. Review status: criteria provided, single submitter. Criteria: Invitae Variant Classification Sherloc (09022015). Collection method: clinical testing. Allele origin: germline.
Comment: For these reasons, this variant has been classified as Pathogenic. This variant has not been reported in the literature in individuals affected with TBCD-related conditions. This variant is a gross deletion of the genomic region encompassing exon(s) 17 of the TBCD gene. This deletion is out-of-frame, and is expected to create a premature termination codon and result in an absent or disrupted protein product. Loss-of-function variants in TBCD are known to be pathogenic (PMID: 27666370, 27666374).

Literature cited by the submitters: PubMed 27666370; PubMed 27666374.